The following is an entry in ClinVar:

NM_004006.3(DMD):c.6035T>G (p.Leu2012Ter)

Gene: DMD (dystrophin; minus strand). Cytogenetic location: Xp21.1.
Variant type: single nucleotide variant.
Coding change: c.6035T>G on transcript NM_004006.3 (MANE Select); coding-DNA position 6035, T replaced by G.
Protein change: p.Leu2012Ter; replaces leucine 2012 with a stop codon.
Molecular consequence: nonsense.
Genome position (GRCh38, 1-based): chrX:32,310,164, A>C on the plus strand (T>G on the coding strand, the complement: DMD is on the minus strand). VCF-style: chrX-32310164-A-C. GRCh37 (hg19) VCF-style: chrX-32328281-A-C.
Other names: c.6011T>G, p.Leu2004Ter (NM_000109.4); c.6023T>G, p.Leu2008Ter (NM_004009.3); c.5666T>G, p.Leu1889Ter (NM_004010.3); c.2012T>G, p.Leu671Ter (NM_004011.4); c.2003T>G, p.Leu668Ter (NM_004012.4); short protein forms L1889*, L2004*, L2008*, L2012*, L668*, L671*.
Identifiers: ClinVar variation 4820646 (VCV004820646.1), dbSNP rs2148595413.

ClinVar aggregate classification (germline): Pathogenic (1 of 4 stars; one submission).

Conditions:
Duchenne muscular dystrophy (DMD). Also called: Duchenne Muscular Dystrophy (DMD); MUSCULAR DYSTROPHY, PSEUDOHYPERTROPHIC PROGRESSIVE, DUCHENNE TYPE. Identifiers: Orphanet 98896, MedGen C0013264, MONDO:0010679, OMIM 310200.

Submission:

Institute of Medical Genetics and Applied Genomics, University Hospital Tübingen
Classification: Pathogenic for Duchenne muscular dystrophy. Last evaluated: 2026-04-22. Review status: criteria provided, single submitter. Criteria: ACMG Guidelines, 2015. Collection method: clinical testing. Allele origin: de novo. Inheritance: X-linked inheritance. Affected: yes.